The following is an entry in ClinVar:

NM_006785.3(MALT1):c.[1019-2A>G];[1060delC]

Variant type: CompoundHeterozygote.
Identifiers: ClinVar variation 424712 (VCV000424712.3).

ClinVar aggregate classification (germline): Pathogenic (0 of 4 stars; one submission).

Conditions:
Combined immunodeficiency. Also called: Combined T and B cell immunodeficiency; Congenital combined immunodeficiency. Identifiers: Orphanet 101972, MedGen C2711630, MONDO:0015131, HP:0005387.

Submission:

Puck Laboratory, University of California, San Francisco
Classification: Pathogenic for Combined immunodeficiency. Review status: no assertion criteria provided. Collection method: research. Allele origin: de novo. Affected: yes. Observed: 1 compound heterozygote.
Comment: NM_006785.3:c.1060delC is reported to be of de novo origin, whereas NM_006785.3:c.1019-2A>G is of maternal origin (PubMed 25627829).

Literature cited by the submitters: PubMed 25627829.